The following is an entry in ClinVar:

ClinVar aggregate classification (germline): Benign. Review status: criteria provided, multiple submitters, no conflicts (2 of 4 stars). 2 submissions from 2 submitters: Benign (2). Last evaluated 2018-01-13.

Conditions:
Rhizomelic chondrodysplasia punctata type 3 (RCDP3). Also called: ALKYLDIHYDROXYACETONEPHOSPHATE SYNTHASE DEFICIENCY; Alkylglycerone Phosphate Synthase (AGPS) deficiency. Identifiers: Orphanet 177, Orphanet 309803, MedGen C1838612, MONDO:0010823, OMIM 600121. Disease mechanism: loss of function.

Allele frequency attached by ClinVar (database versions not stated): gnomAD 0.00233 and 0.00311; TOPMed 0.00359; 1000 Genomes Project 30x 0.01031; 1000 Genomes Project 0.01118.

Submissions (2):

Illumina Laboratory Services, Illumina
Classification: Benign for Rhizomelic chondrodysplasia punctata type 3. Last evaluated: 2018-01-13. Review status: criteria provided, single submitter. Criteria: ICSL Variant Classification Criteria 13 December 2019. Collection method: clinical testing. Allele origin: germline.
Comment: This variant was observed in the ICSL laboratory as part of a predisposition screen in an ostensibly healthy population. It had not been previously curated by ICSL or reported in the Human Gene Mutation Database (HGMD: prior to June 1st, 2018), and was therefore a candidate for classification through an automated scoring system. Utilizing variant allele frequency, disease prevalence and penetrance estimates, and inheritance mode, an automated score was calculated to assess if this variant is too frequent to cause the disease. Based on the score and internal cut-off values, a variant classified as benign is not then subjected to further curation. The score for this variant resulted in a classification of benign for this disease.

Breakthrough Genomics
Classification: Benign. Review status: criteria provided, single submitter. Criteria: ACMG Guidelines, 2015. Collection method: not provided. Allele origin: germline. Inheritance: Autosomal recessive inheritance. Affected: yes.

NM_003659.4(AGPS):c.*2548A>G

Gene: AGPS (alkylglycerone phosphate synthase; plus strand). Cytogenetic location: 2q31.2.
Variant type: single nucleotide variant.
Coding change: c.*2548A>G on transcript NM_003659.4 (MANE Select); 2548 bases downstream of the stop codon, A replaced by G.
Molecular consequence: 3 prime UTR variant.
Genome position (GRCh38, 1-based): chr2:177,540,743, A>G. VCF-style: chr2-177540743-A-G. GRCh37 (hg19) VCF-style: chr2-178405471-A-G.
Identifiers: ClinVar variation 332572 (VCV000332572.6), dbSNP rs76966937, ClinGen allele CA10611520.